The following is an entry in ClinVar:

ClinVar aggregate classification (germline): Uncertain significance (1 of 4 stars; one submission).

Conditions:
Catecholaminergic polymorphic ventricular tachycardia (CVPT). Also called: Catecholamine-induced polymorphic ventricular tachycardia. Identifiers: Orphanet 3286, MedGen C5574922, MONDO:0017990.

Submission:

All of Us Research Program, National Institutes of Health
Classification: Uncertain significance for Catecholaminergic polymorphic ventricular tachycardia. Last evaluated: 2023-08-23. Review status: criteria provided, single submitter. Criteria: ACMG Guidelines, 2015. Collection method: clinical testing. Allele origin: germline. Inheritance: Autosomal dominant inheritance. Observed: 1 variant allele, 1 heterozygote.
Comment: This missense variant replaces proline with glutamine at codon 1535 of the RYR2 protein. Computational prediction is inconclusive regarding the impact of this variant on protein structure and function (internally defined REVEL score threshold 0.5 < inconclusive < 0.7, PMID: 27666373). To our knowledge, functional studies have not been reported for this variant. This variant has not been reported in individuals affected with RYR2-related disorders in the literature. This variant has not been identified in the general population by the Genome Aggregation Database (gnomAD). The available evidence is insufficient to determine the role of this variant in disease conclusively. Therefore, this variant is classified as a Variant of Uncertain Significance.

This study involves interpretation of variants in research participants for the purpose of population health screening. Participant phenotype was not available at the time of variant classification. Additional details can be found in publication PMID: 35346344, PMCID: PMC8962531

NM_001035.3(RYR2):c.4604C>A (p.Pro1535Gln)

Gene: RYR2 (ryanodine receptor 2; plus strand). Cytogenetic location: 1q43.
Variant type: single nucleotide variant.
Coding change: c.4604C>A on transcript NM_001035.3 (MANE Select); coding-DNA position 4604, C replaced by A.
Protein change: p.Pro1535Gln; replaces proline 1535 with glutamine.
Molecular consequence: missense variant.
Genome position (GRCh38, 1-based): chr1:237,602,032, C>A. VCF-style: chr1-237602032-C-A. GRCh37 (hg19) VCF-style: chr1-237765332-C-A.
Other names: short protein forms P1535Q.
Identifiers: ClinVar variation 3073074 (VCV003073074.1), dbSNP rs973392998, ClinGen allele CA345401535.
Genomic context (GRCh38, chr1:237,602,032, plus strand): 5'-TCCCTTGTCTTGTTTCATTACTAACATTATTAAATTCATTAAATGTATTTCAGGTGGAAC[C>A]GAGTACAAAATTATTTCCTGCGGTTTTTGCACAAGCTACAAGTCCCAATGTTTTCCAGTT-3'
Protein context (NP_001026.2, residues 1525-1545): KELSTYYQVE[Pro1535Gln]STKLFPAVFA